The following is an entry in ClinVar:

NM_001369369.1(FOXN1):c.194C>A (p.Pro65Gln)

Gene: FOXN1 (forkhead box N1; plus strand). Cytogenetic location: 17q11.2.
Variant type: single nucleotide variant.
Coding change: c.194C>A on transcript NM_001369369.1 (MANE Select); coding-DNA position 194, C replaced by A.
Protein change: p.Pro65Gln; replaces proline 65 with glutamine.
Molecular consequence: missense variant.
Genome position (GRCh38, 1-based): chr17:28,524,573, C>A. VCF-style: chr17-28524573-C-A. GRCh37 (hg19) VCF-style: chr17-26851591-C-A.
Other names: c.194C>A, p.Pro65Gln (NM_003593.3); short protein forms P65Q.
Identifiers: ClinVar variation 571733 (VCV000571733.8), dbSNP rs777608417, ClinGen allele CA8459173.
Genomic context (GRCh38, chr17:28,524,573, plus strand): 5'-GCTTCAGCTGCTCGTCATTTGTGTCCGACGGCCCTCCAGAGAGGACACCCTCACTGCCCC[C>A]ACACAGCCCCCGCATTGCGTCACCAGGGCCCGAGCAAGTCCAGGGCCACTGCCCAGCCGG-3'
Protein context (NP_001356298.1, residues 55-75): GPPERTPSLP[Pro65Gln]HSPRIASPGP

ClinVar aggregate classification (germline): Uncertain significance (1 of 4 stars; one submission).

Conditions:
T-cell immunodeficiency, congenital alopecia, and nail dystrophy. Also called: Congenital alopecia and nail dystrophy associated with severe functional T-cell immunodeficiency; Pignata Guarino syndrome. Identifiers: Orphanet 169095, MedGen C1866426, MONDO:0011132, OMIM 601705.

Allele frequency attached by ClinVar (database versions not stated): ExAC 0.00001; gnomAD 0.00001; TOPMed 0.00001.
gnomAD v4.1: 12 of 1,613,572 alleles (0.00074%); highest among the groups gnomAD compares: Non-Finnish European, 0.001%; no homozygotes.

Submission:

Labcorp Genetics (formerly Invitae), Labcorp
Classification: Uncertain significance for T-cell immunodeficiency, congenital alopecia, and nail dystrophy. Last evaluated: 2024-01-19. Review status: criteria provided, single submitter. Criteria: Invitae Variant Classification Sherloc (09022015). Collection method: clinical testing. Allele origin: germline.
Comment: This sequence change replaces proline, which is neutral and non-polar, with glutamine, which is neutral and polar, at codon 65 of the FOXN1 protein (p.Pro65Gln). The frequency data for this variant in the population databases is considered unreliable, as metrics indicate poor data quality at this position in the gnomAD database. This variant has not been reported in the literature in individuals affected with FOXN1-related conditions. ClinVar contains an entry for this variant (Variation ID: 571733). Advanced modeling of protein sequence and biophysical properties (such as structural, functional, and spatial information, amino acid conservation, physicochemical variation, residue mobility, and thermodynamic stability) performed at Invitae indicates that this missense variant is not expected to disrupt FOXN1 protein function with a negative predictive value of 80%. In summary, the available evidence is currently insufficient to determine the role of this variant in disease. Therefore, it has been classified as a Variant of Uncertain Significance.